The following is an entry in ClinVar:

ClinVar aggregate classification (germline): Uncertain significance (1 of 4 stars; one submission).

Conditions:
H syndrome. Also called: HISTIOCYTOSIS AND LYMPHADENOPATHY WITH OR WITHOUT CUTANEOUS, CARDIAC, AND/OR ENDOCRINE FEATURES, JOINT CONTRACTURES, AND/OR DEAFNESS; HYPERPIGMENTATION, CUTANEOUS, WITH HYPERTRICHOSIS, HEPATOSPLENOMEGALY, HEART ANOMALIES, AND HYPOGONADISM WITH OR WITHOUT HEARING LOSS; PIGMENTED HYPERTRICHOSIS WITH INSULIN-DEPENDENT DIABETES MELLITUS; ROSAI-DORFMAN DISEASE, FAMILIAL; SINUS HISTIOCYTOSIS AND MASSIVE LYMPHADENOPATHY; Hyperpigmentation, Cutaneous, with Hypertrichosis, Hepatosplenomegaly, Heart Anomalies, Hearing Loss, and Hypogonadism. Identifiers: Orphanet 168569, MedGen C1864445, MONDO:0011273, OMIM 602782.

Submission:

Labcorp Genetics (formerly Invitae), Labcorp
Classification: Uncertain significance for H syndrome. Last evaluated: 2025-08-17. Review status: criteria provided, single submitter. Criteria: Invitae Variant Classification Sherloc (09022015). Collection method: clinical testing. Allele origin: germline.
Comment: This sequence change replaces isoleucine, which is neutral and non-polar, with valine, which is neutral and non-polar, at codon 326 of the SLC29A3 protein (p.Ile326Val). Information on the frequency of this variant in the gnomAD database is not available, as this variant may be reported differently in the database. This variant has not been reported in the literature in individuals affected with SLC29A3-related conditions. Experimental studies and prediction algorithms are not available or were not evaluated, and the functional significance of this variant is currently unknown. In summary, the available evidence is currently insufficient to determine the role of this variant in disease. Therefore, it has been classified as a Variant of Uncertain Significance.

NM_018344.6(SLC29A3):c.975_976inv (p.Ile326Val)

Gene: SLC29A3 (solute carrier family 29 member 3; plus strand). Cytogenetic location: 10q22.1.
Variant type: Inversion.
Coding change: c.975_976inv on transcript NM_018344.6 (MANE Select).
Protein change: p.Ile326Val; replaces isoleucine 326 with valine.
Molecular consequence: missense variant. On other transcripts: 3 prime UTR variant (1), non-coding transcript variant (2).
Genome position: GRCh38 VCF-style: chr10-71362155-CA-TG. GRCh37 (hg19) VCF-style: chr10-73121912-CA-TG.
Other names: c.*204_*205inv (NM_001174098.2); c.741_742inv, p.Ile248Val (NM_001363518.2); short protein forms I248V, I326V.
Identifiers: ClinVar variation 4707723 (VCV004707723.1).